The following is an entry in ClinVar:

ClinVar aggregate classification (germline): Uncertain significance. Review status: criteria provided, multiple submitters, no conflicts (2 of 4 stars). 2 submissions from 2 submitters: Uncertain significance (2). Last evaluated 2024-04-04.

Conditions:
Inborn genetic diseases. Identifiers: MedGen C0950123, MeSH D030342.
Baller-Gerold syndrome (BGS). Also called: CRANIOSYNOSTOSIS WITH RADIAL DEFECTS. Identifiers: Orphanet 1225, MedGen C0265308, MONDO:0009039, OMIM 218600.

Allele frequency attached by ClinVar (database versions not stated): gnomAD exomes below 0.00001 and 0.00001; gnomAD 0.00001; TOPMed 0.00004.
gnomAD v4.1: 7 of 1,559,252 alleles (0.00045%); highest among the groups gnomAD compares: Admixed American, 0.013%; no homozygotes.

Submissions (2):

Ambry Genetics
Classification: Uncertain significance for Inborn genetic diseases. Last evaluated: 2024-04-04. Review status: criteria provided, single submitter. Criteria: Ambry Variant Classification Scheme 2023. Collection method: clinical testing. Allele origin: germline.

Labcorp Genetics (formerly Invitae), Labcorp
Classification: Uncertain significance for Baller-Gerold syndrome. Last evaluated: 2024-01-13. Review status: criteria provided, single submitter. Criteria: Invitae Variant Classification Sherloc (09022015). Collection method: clinical testing. Allele origin: germline.
Comment: This sequence change replaces lysine, which is basic and polar, with threonine, which is neutral and polar, at codon 141 of the RECQL4 protein (p.Lys141Thr). This variant is present in population databases (no rsID available, gnomAD 0.007%). This variant has not been reported in the literature in individuals affected with RECQL4-related conditions. ClinVar contains an entry for this variant (Variation ID: 459498). Advanced modeling of protein sequence and biophysical properties (such as structural, functional, and spatial information, amino acid conservation, physicochemical variation, residue mobility, and thermodynamic stability) performed at Invitae indicates that this missense variant is not expected to disrupt RECQL4 protein function with a negative predictive value of 80%. In summary, the available evidence is currently insufficient to determine the role of this variant in disease. Therefore, it has been classified as a Variant of Uncertain Significance.

NM_004260.4(RECQL4):c.422A>C (p.Lys141Thr)

Gene: RECQL4 (RecQ like helicase 4; minus strand). Cytogenetic location: 8q24.3.
Variant type: single nucleotide variant.
Coding change: c.422A>C on transcript NM_004260.4 (MANE Select); coding-DNA position 422, A replaced by C.
Protein change: p.Lys141Thr; replaces lysine 141 with threonine.
Molecular consequence: missense variant.
Genome position (GRCh38, 1-based): chr8:144,516,697, T>G on the plus strand (A>C on the coding strand, the complement: RECQL4 is on the minus strand). VCF-style: chr8-144516697-T-G. GRCh37 (hg19) VCF-style: chr8-145742081-T-G.
Other names: short protein forms K141T.
Identifiers: ClinVar variation 459498 (VCV000459498.7), dbSNP rs1178719750, ClinGen allele CA372691548.